The following is an entry in ClinVar:

ClinVar aggregate classification (germline): Pathogenic (1 of 4 stars; one submission).

Submission:

Labcorp Genetics (formerly Invitae), Labcorp
Classification: Pathogenic. Last evaluated: 2020-11-10. Review status: criteria provided, single submitter. Criteria: Invitae Variant Classification Sherloc (09022015). Collection method: clinical testing. Allele origin: germline.
Comment: This variant has not been reported in the literature in individuals with SLC12A3-related conditions. Algorithms developed to predict the effect of sequence changes on RNA splicing suggest that this variant may create or strengthen a splice site, but this prediction has not been confirmed by published transcriptional studies. For these reasons, this variant has been classified as Pathogenic. This variant is not present in population databases (ExAC no frequency). This sequence change creates a premature translational stop signal (p.Trp413*) in the SLC12A3 gene. It is expected to result in an absent or disrupted protein product. Loss-of-function variants in SLC12A3 are known to be pathogenic (PMID: 20848653, 22009145, 25841442).

Literature cited by the submitters: PubMed 20848653; PubMed 22009145; PubMed 25841442.

NM_001126108.2(SLC12A3):c.1238G>A (p.Trp413Ter)

Gene: SLC12A3 (solute carrier family 12 member 3; plus strand). Cytogenetic location: 16q13.
Variant type: single nucleotide variant.
Coding change: c.1238G>A on transcript NM_001126108.2 (MANE Select); coding-DNA position 1238, G replaced by A.
Protein change: p.Trp413Ter; replaces tryptophan 413 with a stop codon.
Molecular consequence: nonsense.
Genome position (GRCh38, 1-based): chr16:56,879,130, G>A. VCF-style: chr16-56879130-G-A. GRCh37 (hg19) VCF-style: chr16-56913042-G-A.
Other names: c.1238G>A, p.Trp413Ter (NM_000339.3); c.1235G>A, p.Trp412Ter (NM_001126107.2); short protein forms W412*, W413*.
Identifiers: ClinVar variation 1412538 (VCV001412538.6), dbSNP rs2144711481, ClinGen allele CA395985776.